The following is an entry in ClinVar:

ClinVar aggregate classification (germline): Pathogenic/Likely pathogenic. Review status: criteria provided, multiple submitters, no conflicts (2 of 4 stars). 2 submissions from 2 submitters: Pathogenic (1); Likely pathogenic (1). Last evaluated 2021-04-10.

Conditions:
Breast-ovarian cancer, familial, susceptibility to, 3. Also called: RAD51C-Related Breast/Ovarian Cancer. Identifiers: Orphanet 145, MedGen C3150659, MONDO:0013253, OMIM 613399.
Fanconi anemia complementation group O. Also called: RAD51C-Related Fanconi Anemia. Identifiers: Orphanet 84, MedGen C3150653, MONDO:0013248, OMIM 613390.

Submissions (2):

Baylor Genetics
Classification: Likely pathogenic for Breast-ovarian cancer, familial, susceptibility to, 3. Last evaluated: 2021-04-10. Review status: criteria provided, single submitter. Criteria: ACMG Guidelines, 2015. Collection method: clinical testing. Allele origin: unknown.

Labcorp Genetics (formerly Invitae), Labcorp
Classification: Pathogenic for Fanconi anemia complementation group O. Last evaluated: 2017-12-15. Review status: criteria provided, single submitter. Criteria: Invitae Variant Classification Sherloc (09022015). Collection method: clinical testing. Allele origin: germline.
Comment: For these reasons, this variant has been classified as Pathogenic. Loss-of-function variants in RAD51C are known to be pathogenic (PMID: 20400964, 21990120, 24800917). This variant has not been reported in the literature in individuals with RAD51C-related disease. This variant is not present in population databases (ExAC no frequency). This sequence change creates a premature translational stop signal (p.Glu197*) in the RAD51C gene. It is expected to result in an absent or disrupted protein product.

Literature cited by the submitters: PubMed 20400964 (cited by Labcorp Genetics (formerly Invitae), Labcorp); PubMed 21990120 (cited by Labcorp Genetics (formerly Invitae), Labcorp); PubMed 24800917 (cited by Labcorp Genetics (formerly Invitae), Labcorp).

NM_058216.3(RAD51C):c.589G>T (p.Glu197Ter)

Gene: RAD51C (RAD51 paralog C; plus strand). Cytogenetic location: 17q22.
Variant type: single nucleotide variant.
Coding change: c.589G>T on transcript NM_058216.3 (MANE Select); coding-DNA position 589, G replaced by T.
Protein change: p.Glu197Ter; replaces glutamic acid 197 with a stop codon.
Molecular consequence: nonsense. On other transcripts: non-coding transcript variant (1).
Genome position (GRCh38, 1-based): chr17:58,703,213, G>T. VCF-style: chr17-58703213-G-T. GRCh37 (hg19) VCF-style: chr17-56780574-G-T.
Other names: short protein forms E197*.
Identifiers: ClinVar variation 538770 (VCV000538770.7), dbSNP rs1555597094, ClinGen allele CA400349143.